The following is an entry in ClinVar:

NM_001365999.1(SZT2):c.7478C>T (p.Ala2493Val)

Gene: SZT2 (SZT2 subunit of KICSTOR complex; plus strand). Cytogenetic location: 1p34.2.
Variant type: single nucleotide variant.
Coding change: c.7478C>T on transcript NM_001365999.1 (MANE Select); coding-DNA position 7478, C replaced by T.
Protein change: p.Ala2493Val; replaces alanine 2493 with valine.
Molecular consequence: missense variant.
Genome position (GRCh38, 1-based): chr1:43,441,347, C>T. VCF-style: chr1-43441347-C-T. GRCh37 (hg19) VCF-style: chr1-43907018-C-T.
Other names: c.7307C>T, p.Ala2436Val (NM_015284.4); short protein forms A2493V, A2436V.
Identifiers: ClinVar variation 964971 (VCV000964971.7), dbSNP rs779826702, ClinGen allele CA810232.

ClinVar aggregate classification (germline): Uncertain significance. Review status: criteria provided, multiple submitters, no conflicts (2 of 4 stars). 3 submissions from 3 submitters: Uncertain significance (3). Last evaluated 2023-04-11.

Conditions:
Developmental and epileptic encephalopathy, 18 (DEE18). Also called: Early infantile epileptic encephalopathy 18. Identifiers: Orphanet 369894, MedGen C3809624, MONDO:0014201, OMIM 615476.
Inborn genetic diseases. Identifiers: MedGen C0950123, MeSH D030342.

Allele frequency attached by ClinVar (database versions not stated): gnomAD exomes 0.00002 and 0.00004; TOPMed 0.00002; ExAC 0.00003; gnomAD 0.00003.
gnomAD v4.1: 58 of 1,613,962 alleles (0.0036%); highest among the groups gnomAD compares: African/African-American, 0.0053%; no homozygotes.

Submissions (3):

Genome-Nilou Lab
Classification: Uncertain significance for Developmental and epileptic encephalopathy, 18. Last evaluated: 2023-04-11. Review status: criteria provided, single submitter. Criteria: ACMG Guidelines, 2015. Collection method: clinical testing. Allele origin: germline. Affected: no.

Ambry Genetics
Classification: Uncertain significance for Inborn genetic diseases. Last evaluated: 2023-01-20. Review status: criteria provided, single submitter. Criteria: Ambry Variant Classification Scheme 2023. Collection method: clinical testing. Allele origin: germline.

Labcorp Genetics (formerly Invitae), Labcorp
Classification: Uncertain significance. Last evaluated: 2022-08-24. Review status: criteria provided, single submitter. Criteria: Invitae Variant Classification Sherloc (09022015). Collection method: clinical testing. Allele origin: germline.
Comment: This sequence change replaces alanine, which is neutral and non-polar, with valine, which is neutral and non-polar, at codon 2436 of the SZT2 protein (p.Ala2436Val). This variant is present in population databases (rs779826702, gnomAD 0.01%). This variant has not been reported in the literature in individuals affected with SZT2-related conditions. ClinVar contains an entry for this variant (Variation ID: 964971). Algorithms developed to predict the effect of missense changes on protein structure and function are either unavailable or do not agree on the potential impact of this missense change (SIFT: "Tolerated"; PolyPhen-2: "Possibly Damaging"; Align-GVGD: "Class C0"). In summary, the available evidence is currently insufficient to determine the role of this variant in disease. Therefore, it has been classified as a Variant of Uncertain Significance.